The following is an entry in ClinVar:

NM_001386140.1(MTTP):c.1016C>A (p.Ala339Glu)

Gene: MTTP (microsomal triglyceride transfer protein; plus strand). Cytogenetic location: 4q23.
Variant type: single nucleotide variant.
Coding change: c.1016C>A on transcript NM_001386140.1 (MANE Select); coding-DNA position 1016, C replaced by A.
Protein change: p.Ala339Glu; replaces alanine 339 with glutamic acid.
Molecular consequence: missense variant.
Genome position (GRCh38, 1-based): chr4:99,597,173, C>A. VCF-style: chr4-99597173-C-A. GRCh37 (hg19) VCF-style: chr4-100518330-C-A.
Other names: p.Ala339Glu; c.1016C>A, p.Ala339Glu (NM_000253.4); c.767C>A, p.Ala256Glu (NM_001300785.2); short protein forms A339E, A256E.
Identifiers: ClinVar variation 1413365 (VCV001413365.5), dbSNP rs137956833, ClinGen allele CA3022002.

ClinVar aggregate classification (germline): Uncertain significance. Review status: criteria provided, multiple submitters, no conflicts (2 of 4 stars). 3 submissions from 3 submitters: Uncertain significance (3). Last evaluated 2024-11-01.

Allele frequency attached by ClinVar (database versions not stated): gnomAD 0.00019 and 0.00020; TOPMed 0.00024; ESP Exome Variant Server 0.00031.
gnomAD v4.1: 443 of 1,613,628 alleles (0.027%); highest among the groups gnomAD compares: Non-Finnish European, 0.036%; no homozygotes.

Submissions (3):

Blueprint Genetics
Classification: Uncertain significance. Last evaluated: 2024-11-01. Review status: criteria provided, single submitter. Criteria: ACMG Guidelines, 2015. Collection method: clinical testing. Allele origin: germline.

Mayo Clinic Laboratories, Mayo Clinic
Classification: Uncertain significance. Last evaluated: 2023-02-02. Review status: criteria provided, single submitter. Criteria: ACMG Guidelines, 2015. Collection method: clinical testing. Allele origin: germline. Observed: 2 variant alleles.

Labcorp Genetics (formerly Invitae), Labcorp
Classification: Uncertain significance. Last evaluated: 2022-10-05. Review status: criteria provided, single submitter. Criteria: Invitae Variant Classification Sherloc (09022015). Collection method: clinical testing. Allele origin: germline.
Comment: This sequence change replaces alanine, which is neutral and non-polar, with glutamic acid, which is acidic and polar, at codon 339 of the MTTP protein (p.Ala339Glu). This variant is present in population databases (rs137956833, gnomAD 0.03%). This variant has not been reported in the literature in individuals affected with MTTP-related conditions. ClinVar contains an entry for this variant (Variation ID: 1413365). Advanced modeling of protein sequence and biophysical properties (such as structural, functional, and spatial information, amino acid conservation, physicochemical variation, residue mobility, and thermodynamic stability) performed at Invitae indicates that this missense variant is expected to disrupt MTTP protein function. In summary, the available evidence is currently insufficient to determine the role of this variant in disease. Therefore, it has been classified as a Variant of Uncertain Significance.

Literature cited by the submitters: PubMed 32041611 (cited by Mayo Clinic Laboratories, Mayo Clinic).